The following is an entry in ClinVar:

NM_004371.4(COPA):c.1429G>A (p.Val477Ile)

Gene: COPA (coat protein complex I subunit alpha; minus strand). Cytogenetic location: 1q23.2.
Variant type: single nucleotide variant.
Coding change: c.1429G>A on transcript NM_004371.4 (MANE Select); coding-DNA position 1429, G replaced by A.
Protein change: p.Val477Ile; replaces valine 477 with isoleucine.
Molecular consequence: missense variant.
Genome position (GRCh38, 1-based): chr1:160,306,367, C>T on the plus strand (G>A on the coding strand, the complement: COPA is on the minus strand). VCF-style: chr1-160306367-C-T. GRCh37 (hg19) VCF-style: chr1-160276157-C-T.
Other names: c.1429G>A, p.Val477Ile (NM_001098398.2); short protein forms V477I.
Identifiers: ClinVar variation 2900565 (VCV002900565.3), dbSNP rs747017917, ClinGen allele CA1198108.

ClinVar aggregate classification (germline): Uncertain significance (1 of 4 stars; one submission).

Conditions:
Autoimmune interstitial lung disease-arthritis syndrome. Also called: Autoinflammation and autoimmunity, systemic, with immune dysregulation. Identifiers: Orphanet 444092, MedGen C5975714, MONDO:0014629.

Allele frequency attached by ClinVar (database versions not stated): gnomAD 0.00001; TOPMed 0.00001; ExAC 0.00003.

Submission:

Labcorp Genetics (formerly Invitae), Labcorp
Classification: Uncertain significance for Autoimmune interstitial lung disease-arthritis syndrome. Last evaluated: 2024-06-10. Review status: criteria provided, single submitter. Criteria: Invitae Variant Classification Sherloc (09022015). Collection method: clinical testing. Allele origin: germline.
Comment: This sequence change replaces valine, which is neutral and non-polar, with isoleucine, which is neutral and non-polar, at codon 477 of the COPA protein (p.Val477Ile). This variant is present in population databases (rs747017917, gnomAD 0.02%). This variant has not been reported in the literature in individuals affected with COPA-related conditions. Advanced modeling of protein sequence and biophysical properties (such as structural, functional, and spatial information, amino acid conservation, physicochemical variation, residue mobility, and thermodynamic stability) performed at Invitae indicates that this missense variant is not expected to disrupt COPA protein function with a negative predictive value of 80%. In summary, the available evidence is currently insufficient to determine the role of this variant in disease. Therefore, it has been classified as a Variant of Uncertain Significance.